The following is an entry in ClinVar:

NM_001298.3(CNGA3):c.1142T>A (p.Val381Glu)

Gene: CNGA3 (cyclic nucleotide gated channel subunit alpha 3; plus strand). Cytogenetic location: 2q11.2.
Variant type: single nucleotide variant.
Coding change: c.1142T>A on transcript NM_001298.3 (MANE Select); coding-DNA position 1142, T replaced by A.
Protein change: p.Val381Glu; replaces valine 381 with glutamic acid.
Molecular consequence: missense variant.
Genome position (GRCh38, 1-based): chr2:98,396,312, T>A. VCF-style: chr2-98396312-T-A. GRCh37 (hg19) VCF-style: chr2-99012775-T-A.
Other names: c.1088T>A, p.Val363Glu (NM_001079878.2); short protein forms V363E, V381E.
Identifiers: ClinVar variation 1498987 (VCV001498987.6), dbSNP rs2104247066, ClinGen allele CA347832920.

ClinVar aggregate classification (germline): Uncertain significance (1 of 4 stars; one submission).

Submission:

Labcorp Genetics (formerly Invitae), Labcorp
Classification: Uncertain significance. Last evaluated: 2022-07-19. Review status: criteria provided, single submitter. Criteria: Invitae Variant Classification Sherloc (09022015). Collection method: clinical testing. Allele origin: germline.
Comment: In summary, the available evidence is currently insufficient to determine the role of this variant in disease. Therefore, it has been classified as a Variant of Uncertain Significance. Advanced modeling of protein sequence and biophysical properties (such as structural, functional, and spatial information, amino acid conservation, physicochemical variation, residue mobility, and thermodynamic stability) performed at Invitae indicates that this missense variant is expected to disrupt CNGA3 protein function. ClinVar contains an entry for this variant (Variation ID: 1498987). This variant has not been reported in the literature in individuals affected with CNGA3-related conditions. This variant is not present in population databases (gnomAD no frequency). This sequence change replaces valine, which is neutral and non-polar, with glutamic acid, which is acidic and polar, at codon 381 of the CNGA3 protein (p.Val381Glu).